The following is an entry in ClinVar:

NM_001909.5(CTSD):c.832G>C (p.Glu278Gln)

Gene: CTSD (cathepsin D; minus strand). Cytogenetic location: 11p15.5.
Variant type: single nucleotide variant.
Coding change: c.832G>C on transcript NM_001909.5 (MANE Select); coding-DNA position 832, G replaced by C.
Protein change: p.Glu278Gln; replaces glutamic acid 278 with glutamine.
Molecular consequence: missense variant.
Genome position (GRCh38, 1-based): chr11:1,754,134, C>G on the plus strand (G>C on the coding strand, the complement: CTSD is on the minus strand). VCF-style: chr11-1754134-C-G. GRCh37 (hg19) VCF-style: chr11-1775364-C-G.
Other names: short protein forms E278Q.
Identifiers: ClinVar variation 1430826 (VCV001430826.5), dbSNP rs1402574017, ClinGen allele CA379094201.
Genomic context (GRCh38, chr11:1,754,134, plus strand): 5'-TGCCTGTGTCCACAATGGCCTCACAGCCCTCCTTGCACAGGGTCAGCCCGCTGGCCACCT[C>G]CACCCTGCGGGGAGTCAGGGCGTGAAGCCCCTGCCGGGACTGGAGTGTGCCCTGGGGGCC-3'
Protein context (NP_001900.1, residues 268-288): AYWQVHLDQV[Glu278Gln]VASGLTLCKE

ClinVar aggregate classification (germline): Uncertain significance (1 of 4 stars; one submission).

Conditions:
Neuronal ceroid lipofuscinosis. Also called: Neuronal Ceroid Lipofuscinoses. Identifiers: Orphanet 216, Orphanet 79263, MedGen C0027877, MONDO:0016295. Disease mechanism: loss of function.

Allele frequency attached by ClinVar (database versions not stated): gnomAD exomes below 0.00001; TOPMed below 0.00001; gnomAD 0.00001.
gnomAD v4.1: 3 of 1,608,720 alleles (0.00019%); highest among the groups gnomAD compares: Non-Finnish European, 0.00025%; no homozygotes.

Submission:

Labcorp Genetics (formerly Invitae), Labcorp
Classification: Uncertain significance for Neuronal ceroid lipofuscinosis. Last evaluated: 2022-02-20. Review status: criteria provided, single submitter. Criteria: Invitae Variant Classification Sherloc (09022015). Collection method: clinical testing. Allele origin: germline.
Comment: This sequence change replaces glutamic acid, which is acidic and polar, with glutamine, which is neutral and polar, at codon 278 of the CTSD protein (p.Glu278Gln). This variant is not present in population databases (gnomAD no frequency). This variant has not been reported in the literature in individuals affected with CTSD-related conditions. Algorithms developed to predict the effect of missense changes on protein structure and function output the following: SIFT: "Tolerated"; PolyPhen-2: "Benign"; Align-GVGD: "Class C0". The glutamine amino acid residue is found in multiple mammalian species, which suggests that this missense change does not adversely affect protein function. Algorithms developed to predict the effect of sequence changes on RNA splicing suggest that this variant may create or strengthen a splice site. In summary, the available evidence is currently insufficient to determine the role of this variant in disease. Therefore, it has been classified as a Variant of Uncertain Significance.